The following is an entry in ClinVar:

ClinVar aggregate classification (germline): Uncertain significance. Review status: criteria provided, multiple submitters, no conflicts (2 of 4 stars). 2 submissions from 2 submitters: Uncertain significance (2). Last evaluated 2025-10-27.

Conditions:
Erythrocytosis, familial, 3 (ECYT3). Identifiers: Orphanet 247511, MedGen C1853286, MONDO:0012353, OMIM 609820.

Allele frequency attached by ClinVar (database versions not stated): gnomAD exomes below 0.00001; gnomAD 0.00001; TOPMed 0.00002.

Submissions (2):

Ambry Genetics
Classification: Uncertain significance. Last evaluated: 2025-10-27. Review status: criteria provided, single submitter. Criteria: Ambry Variant Classification Scheme 2023. Collection method: clinical testing. Allele origin: germline.
Comment: The p.N102S variant (also known as c.305A>G), located in coding exon 1 of the EGLN1 gene, results from an A to G substitution at nucleotide position 305. The asparagine at codon 102 is replaced by serine, an amino acid with highly similar properties. This amino acid position is conserved. In addition, this alteration is predicted to be tolerated by in silico analysis. Since supporting evidence is limited at this time, the clinical significance of this alteration remains unclear.

Labcorp Genetics (formerly Invitae), Labcorp
Classification: Uncertain significance for Erythrocytosis, familial, 3. Last evaluated: 2023-10-05. Review status: criteria provided, single submitter. Criteria: Invitae Variant Classification Sherloc (09022015). Collection method: clinical testing. Allele origin: germline.
Comment: This sequence change replaces asparagine, which is neutral and polar, with serine, which is neutral and polar, at codon 102 of the EGLN1 protein (p.Asn102Ser). This variant is not present in population databases (gnomAD no frequency). This variant has not been reported in the literature in individuals affected with EGLN1-related conditions. ClinVar contains an entry for this variant (Variation ID: 1799334). Algorithms developed to predict the effect of missense changes on protein structure and function output the following: SIFT: "Not Available"; PolyPhen-2: "Benign"; Align-GVGD: "Not Available". The serine amino acid residue is found in multiple mammalian species, which suggests that this missense change does not adversely affect protein function. In summary, the available evidence is currently insufficient to determine the role of this variant in disease. Therefore, it has been classified as a Variant of Uncertain Significance.

NM_022051.3(EGLN1):c.305A>G (p.Asn102Ser)

Gene: EGLN1 (egl-9 family hypoxia inducible factor 1; minus strand). Cytogenetic location: 1q42.2.
Variant type: single nucleotide variant.
Coding change: c.305A>G on transcript NM_022051.3 (MANE Select); coding-DNA position 305, A replaced by G.
Protein change: p.Asn102Ser; replaces asparagine 102 with serine.
Molecular consequence: missense variant.
Genome position (GRCh38, 1-based): chr1:231,421,584, T>C on the plus strand (A>G on the coding strand, the complement: EGLN1 is on the minus strand). VCF-style: chr1-231421584-T-C. GRCh37 (hg19) VCF-style: chr1-231557330-T-C.
Other names: c.305A>G, p.Asn102Ser (NM_001377260.1, NM_001377261.1); short protein forms N102S.
Identifiers: ClinVar variation 1799334 (VCV001799334.8), dbSNP rs904319713, ClinGen allele CA38948922.